The following is an entry in ClinVar:

NM_006393.3(NEBL):c.1879A>G (p.Lys627Glu)

Gene: NEBL (nebulette; minus strand). Cytogenetic location: 10p12.31.
Variant type: single nucleotide variant.
Coding change: c.1879A>G on transcript NM_006393.3 (MANE Select); coding-DNA position 1879, A replaced by G.
Protein change: p.Lys627Glu; replaces lysine 627 with glutamic acid.
Molecular consequence: missense variant. On other transcripts: intron variant (9).
Genome position (GRCh38, 1-based): chr10:20,823,291, T>C on the plus strand (A>G on the coding strand, the complement: NEBL is on the minus strand). VCF-style: chr10-20823291-T-C. GRCh37 (hg19) VCF-style: chr10-21112220-T-C.
Other names: c.250-10351A>G (NM_001377326.1, NM_001377327.1, NM_001377328.1); c.358-10351A>G (NM_213569.2, NM_001173484.2, NM_001377322.1); c.301-10351A>G (NM_001377324.1); c.292-10351A>G (NM_001377325.1); c.310-10351A>G (NM_001377323.1); short protein forms K627E.
Identifiers: ClinVar variation 1425004 (VCV001425004.6), dbSNP rs766695780, ClinGen allele CA5432702.

ClinVar aggregate classification (germline): Uncertain significance (1 of 4 stars; one submission).

Conditions:
Primary dilated cardiomyopathy (DCM). Also called: Dilated Cardiomyopathy. Identifiers: Orphanet 217604, MedGen C0007193, MeSH D002311, MONDO:0005021, HP:0001644. Inheritance: Various modes of inheritance.

Allele frequency attached by ClinVar (database versions not stated): gnomAD exomes below 0.00001 and 0.00001; TOPMed below 0.00001; ExAC 0.00001; gnomAD 0.00001.
gnomAD v4.1: 17 of 1,604,278 alleles (0.0011%); highest among the groups gnomAD compares: Non-Finnish European, 0.0014%; no homozygotes.

Submission:

Labcorp Genetics (formerly Invitae), Labcorp
Classification: Uncertain significance for Primary dilated cardiomyopathy. Last evaluated: 2021-11-28. Review status: criteria provided, single submitter. Criteria: Invitae Variant Classification Sherloc (09022015). Collection method: clinical testing. Allele origin: germline.
Comment: In summary, the available evidence is currently insufficient to determine the role of this variant in disease. Therefore, it has been classified as a Variant of Uncertain Significance. Algorithms developed to predict the effect of missense changes on protein structure and function (SIFT, PolyPhen-2, Align-GVGD) all suggest that this variant is likely to be tolerated. This variant has not been reported in the literature in individuals affected with NEBL-related conditions. This variant is present in population databases (rs766695780, gnomAD 0.002%). This sequence change replaces lysine, which is basic and polar, with glutamic acid, which is acidic and polar, at codon 627 of the NEBL protein (p.Lys627Glu).